The following is an entry in ClinVar:

NM_017947.4(MOCOS):c.49G>T (p.Gly17Cys)

Gene: MOCOS (molybdenum cofactor sulfurase; plus strand). Cytogenetic location: 18q12.2.
Variant type: single nucleotide variant.
Coding change: c.49G>T on transcript NM_017947.4 (MANE Select); coding-DNA position 49, G replaced by T.
Protein change: p.Gly17Cys; replaces glycine 17 with cysteine.
Molecular consequence: missense variant.
Genome position (GRCh38, 1-based): chr18:36,187,588, G>T. VCF-style: chr18-36187588-G-T. GRCh37 (hg19) VCF-style: chr18-33767551-G-T.
Other names: short protein forms G17C.
Identifiers: ClinVar variation 1063664 (VCV001063664.9), dbSNP rs1183643394, ClinGen allele CA402224653.
Genomic context (GRCh38, chr18:36,187,588, plus strand): 5'-CTAGCCGGGGCCATGGCCGGCGCGGCGGCGGAGTCAGGGCGGGAGCTGTGGACCTTCGCG[G>T]GTTCCCGGGACCCGAGCGCACCGCGGCTAGCCTACGGCTACGGCCCGGGCAGCCTGCGCG-3'
Protein context (NP_060417.4, residues 7-27): ESGRELWTFA[Gly17Cys]SRDPSAPRLA

ClinVar aggregate classification (germline): Uncertain significance (1 of 4 stars; one submission).

Conditions:
Xanthinuria type II. Also called: Xanthine dehydrogenase and aldehyde oxidase combined deficiency of; XDH and AOX dual deficiency. Identifiers: Orphanet 3467, Orphanet 93602, MedGen C1863688, MONDO:0011346, OMIM 603592.

Submission:

Labcorp Genetics (formerly Invitae), Labcorp
Classification: Uncertain significance for Xanthinuria type II. Last evaluated: 2020-04-18. Review status: criteria provided, single submitter. Criteria: Invitae Variant Classification Sherloc (09022015). Collection method: clinical testing. Allele origin: germline.
Comment: Algorithms developed to predict the effect of missense changes on protein structure and function (SIFT, PolyPhen-2, Align-GVGD) all suggest that this variant is likely to be tolerated, but these predictions have not been confirmed by published functional studies and their clinical significance is uncertain. In summary, the available evidence is currently insufficient to determine the role of this variant in disease. Therefore, it has been classified as a Variant of Uncertain Significance. This variant has not been reported in the literature in individuals with MOCOS-related conditions. The frequency data for this variant in the population databases is considered unreliable, as metrics indicate insufficient coverage at this position in the ExAC database. This sequence change replaces glycine with cysteine at codon 17 of the MOCOS protein (p.Gly17Cys). The glycine residue is weakly conserved and there is a large physicochemical difference between glycine and cysteine.